The following is an entry in ClinVar:

ClinVar aggregate classification (germline): Uncertain significance. Review status: criteria provided, multiple submitters, no conflicts (2 of 4 stars). 3 submissions from 3 submitters: Uncertain significance (3). Last evaluated 2025-01-20.

Conditions:
DDX41-related disorder. Also called: DDX41-related condition.
Inborn genetic diseases. Identifiers: MedGen C0950123, MeSH D030342.

Allele frequency attached by ClinVar (database versions not stated): gnomAD 0.00001; TOPMed 0.00001.
gnomAD v4.1: 41 of 1,613,524 alleles (0.0025%); highest among the groups gnomAD compares: Non-Finnish European, 0.0035%; no homozygotes.

Submissions (3):

PreventionGenetics, part of Exact Sciences
Classification: Uncertain significance for DDX41-related condition. Last evaluated: 2025-01-20. Review status: criteria provided, single submitter. Criteria: ACMG Guidelines, 2015. Collection method: clinical testing. Allele origin: germline.
Comment: The DDX41 c.952G>T variant is predicted to result in the amino acid substitution p.Val318Leu. This variant has been reported in individuals with chronic myelomonocytic leukemia / Myelodysplastic syndrome (Table S3, Sébert et al. 2019. PubMed ID: 31484648; Li et al. 2022. PubMed ID: 35671390). This variant is reported in 0.00088% of alleles in individuals of European (Non-Finnish) descent in gnomAD. At this time, the clinical significance of this variant is uncertain due to the absence of conclusive functional and genetic evidence.

Ambry Genetics
Classification: Uncertain significance for Inborn genetic diseases. Last evaluated: 2024-12-20. Review status: criteria provided, single submitter. Criteria: Ambry Variant Classification Scheme 2023. Collection method: clinical testing. Allele origin: germline.
Comment: The p.V318L variant (also known as c.952G>T), located in coding exon 10 of the DDX41 gene, results from a G to T substitution at nucleotide position 952. The valine at codon 318 is replaced by leucine, an amino acid with highly similar properties. This amino acid position is highly conserved in available vertebrate species. In addition, the in silico prediction for this alteration is inconclusive. Based on the available evidence, the clinical significance of this variant remains unclear.

Labcorp Genetics (formerly Invitae), Labcorp
Classification: Uncertain significance. Last evaluated: 2023-12-04. Review status: criteria provided, single submitter. Criteria: Invitae Variant Classification Sherloc (09022015). Collection method: clinical testing. Allele origin: germline.
Comment: This sequence change replaces valine, which is neutral and non-polar, with leucine, which is neutral and non-polar, at codon 318 of the DDX41 protein (p.Val318Leu). This variant is present in population databases (no rsID available, gnomAD 0.0009%). This missense change has been observed in individual(s) with hematologic malignancy (PMID: 31484648, 35671390). An algorithm developed to predict the effect of missense changes on protein structure and function (PolyPhen-2) suggests that this variant is likely to be tolerated. In summary, the available evidence is currently insufficient to determine the role of this variant in disease. Therefore, it has been classified as a Variant of Uncertain Significance.

Literature cited by the submitters: PubMed 31484648 (cited by Labcorp Genetics (formerly Invitae), Labcorp); PubMed 35671390 (cited by Labcorp Genetics (formerly Invitae), Labcorp).

NM_016222.4(DDX41):c.952G>T (p.Val318Leu)

Gene: DDX41 (DEAD-box helicase 41; minus strand). Cytogenetic location: 5q35.3.
Variant type: single nucleotide variant.
Coding change: c.952G>T on transcript NM_016222.4 (MANE Select); coding-DNA position 952, G replaced by T.
Protein change: p.Val318Leu; replaces valine 318 with leucine.
Molecular consequence: missense variant.
Genome position (GRCh38, 1-based): chr5:177,513,831, C>A on the plus strand (G>T on the coding strand, the complement: DDX41 is on the minus strand). VCF-style: chr5-177513831-C-A. GRCh37 (hg19) VCF-style: chr5-176940832-C-A.
Other names: c.952G>T (NM_016222.3, NM_016222.2); c.574G>T, p.Val192Leu (NM_001321732.2, NM_001321830.2); short protein forms V192L, V318L.
Identifiers: ClinVar variation 2899691 (VCV002899691.5), dbSNP rs758175653, ClinGen allele CA362374575.